The following is an entry in ClinVar:

NM_000038.6(APC):c.8162G>C (p.Arg2721Pro)

Gene: APC (APC regulator of Wnt signaling pathway; plus strand). Cytogenetic location: 5q22.2.
Variant type: single nucleotide variant.
Coding change: c.8162G>C on transcript NM_000038.6 (MANE Select); coding-DNA position 8162, G replaced by C.
Protein change: p.Arg2721Pro; replaces arginine 2721 with proline.
Molecular consequence: missense variant. On other transcripts: non-coding transcript variant (2).
Genome position (GRCh38, 1-based): chr5:112,843,756, G>C. VCF-style: chr5-112843756-G-C. GRCh37 (hg19) VCF-style: chr5-112179453-G-C.
Other names: c.8162G>C, p.Arg2721Pro (NM_001127510.3, NM_001354895.2, NM_001407450.1); c.8108G>C, p.Arg2703Pro (NM_001127511.3); c.8216G>C, p.Arg2739Pro (NM_001354896.2, NM_001407447.1, NM_001407448.1 and 1 more transcripts); c.8192G>C, p.Arg2731Pro (NM_001354897.2); c.8087G>C, p.Arg2696Pro (NM_001354898.2); c.8078G>C, p.Arg2693Pro (NM_001354899.2); c.8039G>C, p.Arg2680Pro (NM_001354900.2); c.7985G>C, p.Arg2662Pro (NM_001354901.2, NM_001407453.1); and 11 more; short protein forms R2630P, R2638P, R2680P, R2703P, R2714P, R2721P, R2337P, R2693P.
Identifiers: ClinVar variation 3411086 (VCV003411086.1).
Genomic context (GRCh38, chr5:112,843,756, plus strand): 5'-AGGCAAAACAAAATGTGGGTAATGGCAGTGTTCCCATGCGTACCGTGGGTTTGGAAAATC[G>C]CCTGAACTCCTTTATTCAGGTGGATGCCCCTGACCAAAAAGGAACTGAGATAAAACCAGG-3'
Protein context (NP_000029.2, residues 2711-2731): VPMRTVGLEN[Arg2721Pro]LNSFIQVDAP

ClinVar aggregate classification (germline): Uncertain significance (1 of 4 stars; one submission).

Conditions:
Hereditary cancer-predisposing syndrome. Also called: Neoplastic Syndromes, Hereditary; Tumor predisposition; Hereditary Cancer Syndrome; Hereditary neoplastic syndrome. Identifiers: Orphanet 140162, MedGen C0027672, MeSH D009386, MONDO:0015356.

Submission:

Ambry Genetics
Classification: Uncertain significance for Hereditary cancer-predisposing syndrome. Last evaluated: 2024-10-01. Review status: criteria provided, single submitter. Criteria: Ambry Variant Classification Scheme 2023. Collection method: clinical testing. Allele origin: germline.
Comment: The p.R2721P variant (also known as c.8162G>C), located in coding exon 15 of the APC gene, results from a G to C substitution at nucleotide position 8162. The arginine at codon 2721 is replaced by proline, an amino acid with dissimilar properties. This amino acid position is well conserved in available vertebrate species. Missense alterations in APC are not a common cause of disease (Spier I et al. Genet Med. 2024 Feb;26(2):100992). In addition, in silico predictors for this gene do not accurately predict pathogenicity. Based on the available evidence, the clinical significance of this variant remains unclear.